The following is an entry in ClinVar:

ClinVar aggregate classification (germline): Conflicting classifications of pathogenicity. Review status: criteria provided, conflicting classifications (1 of 4 stars). 5 submissions from 5 submitters: Uncertain significance (2); Likely benign (2). 1 of the submissions does not count toward it. Last evaluated 2025-11-18.

Conditions:
SLC30A10-related disorder. Also called: SLC30A10-related condition.
Hypermanganesemia with dystonia, polycythemia, and cirrhosis (HMNDYT1). Also called: Hepatic Cirrhosis, Dystonia, Polycythemia and Hypermanganesemia; Cirrhosis - dystonia - polycythemia - hypermanganesemia syndrome; Hypermanganesemia with Dystonia 1. Identifiers: Orphanet 309854, MedGen C2750442, MONDO:0013208, OMIM 613280.

Allele frequency attached by ClinVar (database versions not stated): gnomAD exomes 0.00025 and 0.00085; ExAC 0.00026; gnomAD 0.00034; TOPMed 0.00037; ESP Exome Variant Server 0.00077.
gnomAD v4.1: 1,298 of 1,587,696 alleles (0.082%); highest among the groups gnomAD compares: Non-Finnish European, 0.1%; 1 homozygote.

Submissions (5):

Labcorp Genetics (formerly Invitae), Labcorp
Classification: Likely benign. Last evaluated: 2025-11-18. Review status: criteria provided, single submitter. Criteria: Invitae Variant Classification Sherloc (09022015). Collection method: clinical testing. Allele origin: germline.

Blueprint Genetics
Classification: Likely benign. Last evaluated: 2024-09-13. Review status: criteria provided, single submitter. Criteria: ACMG Guidelines, 2015. Collection method: clinical testing. Allele origin: germline.

CeGaT Center for Human Genetics Tuebingen
Classification: Uncertain significance. Last evaluated: 2024-08-01. Review status: criteria provided, single submitter. Criteria: CeGaT Center For Human Genetics Tuebingen Variant Classification Criteria Version 2. Collection method: clinical testing. Allele origin: germline. Affected: yes. Observed: 1 variant allele.
Comment: SLC30A10: PM2, BP4

Illumina Laboratory Services, Illumina
Classification: Uncertain significance for Hypermanganesemia with dystonia, polycythemia, and cirrhosis. Last evaluated: 2018-01-13. Review status: criteria provided, single submitter. Criteria: ICSL Variant Classification Criteria 13 December 2019. Collection method: clinical testing. Allele origin: germline.

PreventionGenetics, part of Exact Sciences
Classification: Likely benign for SLC30A10-related condition. Last evaluated: 2020-07-24. Review status: no assertion criteria provided. Collection method: clinical testing. Allele origin: germline. Not counted in ClinVar's aggregate classification.
Comment: This variant is classified as likely benign based on ACMG/AMP sequence variant interpretation guidelines (Richards et al. 2015 PMID: 25741868, with internal and published modifications).

NM_018713.3(SLC30A10):c.719-6T>C

Gene: SLC30A10 (solute carrier family 30 member 10; minus strand). Cytogenetic location: 1q41.
Variant type: single nucleotide variant.
Coding change: c.719-6T>C on transcript NM_018713.3 (MANE Select); 6 bases into the intron before coding-DNA position 719, T replaced by C.
Molecular consequence: intron variant.
Genome position (GRCh38, 1-based): chr1:219,918,500, A>G on the plus strand (T>C on the coding strand, the complement: SLC30A10 is on the minus strand). VCF-style: chr1-219918500-A-G. GRCh37 (hg19) VCF-style: chr1-220091842-A-G.
Other names: c.530-6T>C (NM_001376929.1).
Identifiers: ClinVar variation 295588 (VCV000295588.30), dbSNP rs61832076, ClinGen allele CA1399242.